The following is an entry in ClinVar:

ClinVar aggregate classification (germline): Uncertain significance (1 of 4 stars; one submission).

Conditions:
Cardiovascular phenotype. Identifiers: MedGen CN230736.

Submission:

Ambry Genetics
Classification: Uncertain significance for Cardiovascular phenotype. Last evaluated: 2024-10-30. Review status: criteria provided, single submitter. Criteria: Ambry Variant Classification Scheme 2023. Collection method: clinical testing. Allele origin: germline.
Comment: The p.Q1794R variant (also known as c.5381A>G), located in coding exon 35 of the MYH7 gene, results from an A to G substitution at nucleotide position 5381. The glutamine at codon 1794 is replaced by arginine, an amino acid with highly similar properties. This amino acid position is highly conserved in available vertebrate species. In addition, this alteration is predicted to be deleterious by in silico analysis. Based on the available evidence, the clinical significance of this variant remains unclear.

NM_000257.4(MYH7):c.5381A>G (p.Gln1794Arg)

Gene: MYH7 (myosin heavy chain 7; minus strand). Cytogenetic location: 14q11.2.
Variant type: single nucleotide variant.
Coding change: c.5381A>G on transcript NM_000257.4 (MANE Select); coding-DNA position 5381, A replaced by G.
Protein change: p.Gln1794Arg; replaces glutamine 1794 with arginine.
Molecular consequence: missense variant.
Genome position (GRCh38, 1-based): chr14:23,415,173, T>C on the plus strand (A>G on the coding strand, the complement: MYH7 is on the minus strand). VCF-style: chr14-23415173-T-C. GRCh37 (hg19) VCF-style: chr14-23884382-T-C.
Other names: c.5381A>G, p.Gln1794Arg (NM_001407004.1); short protein forms Q1794R.
Identifiers: ClinVar variation 3400946 (VCV003400946.1).
Genomic context (GRCh38, chr14:23,415,173, plus strand): 5'-TTCTGCAGCTGCTTCTTGCCGCCCTTGAGGGCGATCTGCTCGGCTTCGTCCAGCCGGTGC[T>C]GCAGGTCCTTAATGGTCTGTTCCATGTTCTTCTTCATGCGCTCCAGGTGGGCGCTGGTGT-3'
Protein context (NP_000248.2, residues 1784-1804): KNMEQTIKDL[Gln1794Arg]HRLDEAEQIA